The following is an entry in ClinVar:

NM_001082971.2(DDC):c.1357C>T (p.Arg453Cys)

Gene: DDC (dopa decarboxylase; minus strand). Cytogenetic location: 7p12.2.
Variant type: single nucleotide variant.
Coding change: c.1357C>T on transcript NM_001082971.2 (MANE Select); coding-DNA position 1357, C replaced by T.
Protein change: p.Arg453Cys; replaces arginine 453 with cysteine.
Molecular consequence: missense variant.
Genome position (GRCh38, 1-based): chr7:50,463,317, G>A on the plus strand (C>T on the coding strand, the complement: DDC is on the minus strand). VCF-style: chr7-50463317-G-A. GRCh37 (hg19) VCF-style: chr7-50531015-G-A.
Other names: c.1357C>T, p.Arg453Cys (NM_000790.4); c.1243C>T, p.Arg415Cys (NM_001242886.2); c.1213C>T, p.Arg405Cys (NM_001242887.2); c.1123C>T, p.Arg375Cys (NM_001242888.2); c.1078C>T, p.Arg360Cys (NM_001242889.2); short protein forms R375C, R453C, R405C, R360C, R415C.
Identifiers: ClinVar variation 559481 (VCV000559481.7), dbSNP rs142110773, ClinGen allele CA4261988.
Genomic context (GRCh38, chr7:50,463,317, plus strand): 5'-CGGCCGCCAGCTCTTTGATGTGTTCCCAGGCCCGCTGCACATGGGCAGATTCCACCGTGC[G>A]AGAACAGATGGCAAAGCGCAGGACAAACTTGTCCCTGAGGTGACATGGAACCAAGTGGAT-3'
Protein context (NP_001076440.2, residues 443-463): KFVLRFAICS[Arg453Cys]TVESAHVQRA

ClinVar aggregate classification (germline): Pathogenic/Likely pathogenic. Review status: criteria provided, multiple submitters, no conflicts (2 of 4 stars). 3 submissions from 3 submitters: Pathogenic (1); Likely pathogenic (2). Last evaluated 2023-05-20.

Conditions:
Deficiency of aromatic-L-amino-acid decarboxylase. Also called: Aromatic L-Amino Acid Decarboxylase Deficiency; DDC DEFICIENCY; DOPA DECARBOXYLASE DEFICIENCY; AADC DEFICIENCY; Aromatic amino acid decarboxylase deficiency. Identifiers: Orphanet 35708, MedGen C1291564, MONDO:0012084, OMIM 608643.

Allele frequency attached by ClinVar (database versions not stated): gnomAD 0.00001; gnomAD exomes 0.00001 and 0.00002; TOPMed 0.00001; ESP Exome Variant Server 0.00008; ExAC 0.00001.
gnomAD v4.1: 23 of 1,614,122 alleles (0.0014%); highest among the groups gnomAD compares: Non-Finnish European, 0.0019%; no homozygotes.

Submissions (3):

Labcorp Genetics (formerly Invitae), Labcorp
Classification: Pathogenic for Deficiency of aromatic-L-amino-acid decarboxylase. Last evaluated: 2023-05-20. Review status: criteria provided, single submitter. Criteria: Invitae Variant Classification Sherloc (09022015). Collection method: clinical testing. Allele origin: germline.
Comment: This variant is also known as c.1123C>T (p.Arg375Cys). For these reasons, this variant has been classified as Pathogenic. Experimental studies have shown that this missense change affects DDC function (PMID: 31953134). Advanced modeling of protein sequence and biophysical properties (such as structural, functional, and spatial information, amino acid conservation, physicochemical variation, residue mobility, and thermodynamic stability) has been performed at Invitae for this missense variant, however the output from this modeling did not meet the statistical confidence thresholds required to predict the impact of this variant on DDC protein function. ClinVar contains an entry for this variant (Variation ID: 559481). This missense change has been observed in individual(s) with clinical features of aromatic L-amino acid decarboxylase deficiency (PMID: 25597765). It has also been observed to segregate with disease in related individuals. This variant is present in population databases (rs142110773, gnomAD 0.004%). This sequence change replaces arginine, which is basic and polar, with cysteine, which is neutral and slightly polar, at codon 453 of the DDC protein (p.Arg453Cys).

Medical Genetics Lab, Policlinico S. Orsola.Malpighi
Classification: Likely pathogenic for Deficiency of aromatic-L-amino-acid decarboxylase. Last evaluated: 2018-07-30. Review status: criteria provided, single submitter. Criteria: ACMG Guidelines, 2015. Collection method: clinical testing. Allele origin: inherited. Inheritance: Autosomal recessive inheritance. Affected: yes. Observed: 3 variant alleles, 3 homozygotes. Clinical features observed: Moderate intellectual disability (HP:0002342), Feeding difficulties in infancy (HP:0008872), Diarrhea (HP:0002014), Dysarthria (HP:0001260), Sleep disturbance (HP:0002360), Irritability (HP:0000737), Hypokinesia (HP:0002375), Hypotension (HP:0002615), Disproportionate tall stature (HP:0001519), Abnormal facial shape (HP:0001999), Decreased CSF homovanillic acid concentration (HP:0003785), Elevated CSF dopamine concentration (HP:0012655).
Comment: This variant is extremely rare (only one allele in ExAC). The affected arginine is completely conserved across 98 vertebrates and the observed missense substitution was evaluated as deleterious by different prediction programs (Polyphen2, SIFT and MutationTaster). The variant was found in a homozygous state in three patients of one single family. Patients showed a phenotype that was compatible with AADC deficiency and abnormalities of neurotransmitters and their metabolites in one patient's CSF supported pathogenicity.

Juno Genomics, Hangzhou Juno Genomics, Inc
Classification: Likely pathogenic for Deficiency of aromatic-L-amino-acid decarboxylase. Review status: criteria provided, single submitter. Criteria: ACMG Guidelines, 2015. Collection method: clinical testing. Allele origin: germline.
Comment: Absent from controls (or at extremely low frequency if recessive) in Genome Aggregation Database.;Well-established in vitro or in vivo functional studies supportive of a damaging effect on the gene or gene product.;For recessive disorders, detected in trans with a pathogenic variant.;Patient's phenotype or family history is highly specific for a disease with a single genetic etiology.;Co-segregation with disease in multiple affected family members.

Literature cited by the submitters: PubMed 31953134 (cited by Labcorp Genetics (formerly Invitae), Labcorp); PubMed 25597765 (cited by Labcorp Genetics (formerly Invitae), Labcorp); DOI 10.1016/j.gene.2015.01.026 (cited by Medical Genetics Lab, Policlinico S. Orsola.Malpighi).